The following is an entry in ClinVar:

ClinVar aggregate classification (germline): Conflicting classifications of pathogenicity. Review status: criteria provided, conflicting classifications (1 of 4 stars). 3 submissions from 3 submitters: Pathogenic (2); Uncertain significance (1). Last evaluated 2025-12-10.

Conditions:
Cardiovascular phenotype. Identifiers: MedGen CN230736.

Submissions (3):

Labcorp Genetics (formerly Invitae), Labcorp
Classification: Pathogenic. Last evaluated: 2025-12-10. Review status: criteria provided, single submitter. Criteria: Invitae Variant Classification Sherloc (09022015). Collection method: clinical testing. Allele origin: germline.
Comment: This sequence change creates a premature translational stop signal (p.Gln44Leufs*92) in the LOX gene. It is expected to result in an absent or disrupted protein product. Loss-of-function variants in LOX are known to be pathogenic (PMID: 12417550, 26838787, 27432961). This variant is not present in population databases (gnomAD no frequency). This variant has not been reported in the literature in individuals affected with LOX-related conditions. ClinVar contains an entry for this variant (Variation ID: 1306022). For these reasons, this variant has been classified as Pathogenic.

Ambry Genetics
Classification: Pathogenic for Cardiovascular phenotype. Last evaluated: 2025-11-25. Review status: criteria provided, single submitter. Criteria: Ambry Variant Classification Scheme 2023. Collection method: clinical testing. Allele origin: germline.
Comment: The c.124_130dupTGGCGCC pathogenic mutation, located in coding exon 1 of the LOX gene, results from a duplication of TGGCGCC at nucleotide position 124, causing a translational frameshift with a predicted alternate stop codon (p.Q44Lfs*92). This variant was reported in individual(s) with features consistent with LOX-related thoracic aortic aneurysm and dissection (Ambry internal data). This variant is considered to be rare based on population cohorts in the Genome Aggregation Database (gnomAD). This alteration is expected to result in loss of function by premature protein truncation or nonsense-mediated mRNA decay. As such, this alteration is interpreted as a disease-causing mutation.

GeneDx
Classification: Uncertain significance. Last evaluated: 2019-05-20. Review status: criteria provided, single submitter. Criteria: GeneDx Variant Classification Process June 2021. Collection method: clinical testing. Allele origin: germline. Affected: yes.
Comment: Has not been previously published as pathogenic or benign to our knowledge; Not observed in large population cohorts (Lek et al., 2016); Frameshift variant predicted to result in protein truncation or nonsense mediated decay in a gene for which loss-of-function is not a known mechanism of disease

Literature cited by the submitters: PubMed 12417550 (cited by Labcorp Genetics (formerly Invitae), Labcorp); PubMed 26838787 (cited by Labcorp Genetics (formerly Invitae), Labcorp); PubMed 27432961 (cited by Labcorp Genetics (formerly Invitae), Labcorp).

NM_002317.7(LOX):c.124_130dup (p.Gln44fs)

Genes: LOX (lysyl oxidase; minus strand), SRFBP1 (serum response factor binding protein 1; plus strand). Cytogenetic location: 5q23.1.
Variant type: Duplication.
Coding change: c.124_130dup on transcript NM_002317.7 (MANE Select); coding-DNA positions 124 to 130, 7 bases duplicated (TGGCGCC; older notation c.124_130dupTGGCGCC).
Protein change: p.Gln44fs; shifts the reading frame from glutamine 44.
Molecular consequence: frameshift variant.
Genome position (GRCh38, 1-based): chr5:122,077,856-122,077,862, GGCGCCA duplicated on the plus strand (TGGCGCC on the coding strand, the reverse complement: LOX is on the minus strand); duplicating any 7 consecutive bases within chr5:122,077,856-122,077,868 gives the same sequence; the c. name uses the placement nearest the transcript's 3' end. VCF-style (leftmost placement, unchanged base first): chr5-122077855-T-TGGCGCCA. GRCh37 (hg19) VCF-style: chr5-121413550-T-TGGCGCCA.
Other names: c.124_130dupTGGCGCC (NM_002317.5); short protein forms Q44fs.
Identifiers: ClinVar variation 1306022 (VCV001306022.7), dbSNP rs2152591662, ClinGen allele CA2573052402.